The following is an entry in ClinVar:

ClinVar aggregate classification (germline): Likely pathogenic (1 of 4 stars; one submission).

Conditions:
Autosomal recessive limb-girdle muscular dystrophy type 2J (LGMDR10). Also called: Limb-girdle muscular dystrophy, type 2J; MUSCULAR DYSTROPHY, LIMB-GIRDLE, AUTOSOMAL RECESSIVE 10. Identifiers: Orphanet 140922, MedGen C1837342, MONDO:0012127, OMIM 608807.
Dilated cardiomyopathy 1G (CMD1G). Identifiers: Orphanet 154, MedGen C1858763, MONDO:0011400, OMIM 604145.

Submission:

Labcorp Genetics (formerly Invitae), Labcorp
Classification: Likely pathogenic for Dilated cardiomyopathy 1G; Autosomal recessive limb-girdle muscular dystrophy type 2J. Last evaluated: 2025-08-14. Review status: criteria provided, single submitter. Criteria: Invitae Variant Classification Sherloc (09022015). Collection method: clinical testing. Allele origin: germline.
Comment: This sequence change creates a premature translational stop signal (p.Lys12093*) in the TTN gene. While this is not anticipated to result in nonsense mediated decay, it is expected to create a truncated TTN protein. This variant is not present in population databases (gnomAD no frequency). This variant has not been reported in the literature in individuals affected with TTN-related conditions. This variant is located in the I band of TTN (PMID: 25589632). Truncating variants in this region have been reported in individuals affected with autosomal recessive centronuclear myopathy (PMID: 23975875, internal data). Truncating variants in this region have also been identified in individuals affected with autosomal dominant dilated cardiomyopathy and/or cardio-related conditions (PMID: 27869827, 32964742, internal data). In summary, the currently available evidence indicates that the variant is pathogenic, but additional data are needed to prove that conclusively. Therefore, this variant has been classified as Likely Pathogenic.

Literature cited by the submitters: PubMed 25589632; PubMed 23975875; PubMed 27869827; PubMed 32964742.

NM_001267550.2(TTN):c.36277A>T (p.Lys12093Ter)

Gene: TTN (titin; minus strand). Cytogenetic location: 2q31.2.
Variant type: single nucleotide variant.
Coding change: c.36277A>T on transcript NM_001267550.2 (MANE Select); coding-DNA position 36277, A replaced by T.
Protein change: p.Lys12093Ter; replaces lysine 12093 with a stop codon.
Molecular consequence: nonsense. On other transcripts: intron variant (5).
Genome position (GRCh38, 1-based): chr2:178,664,463, T>A on the plus strand (A>T on the coding strand, the complement: TTN is on the minus strand). VCF-style: chr2-178664463-T-A. GRCh37 (hg19) VCF-style: chr2-179529190-T-A.
Other names: c.13283-22146A>T (NM_003319.4); c.13859-22146A>T (NM_133437.4); c.13658-22146A>T (NM_133432.3); c.31484-1408A>T (NM_133378.4); c.34265-1408A>T (NM_001256850.1); short protein forms K12093*.
Identifiers: ClinVar variation 4785870 (VCV004785870.1).